The following is an entry in ClinVar:

ClinVar aggregate classification (germline): Uncertain significance (1 of 4 stars; one submission).

Conditions:
Hereditary cancer-predisposing syndrome. Also called: Hereditary Cancer Syndrome; Neoplastic Syndromes, Hereditary; Tumor predisposition; Hereditary neoplastic syndrome. Identifiers: Orphanet 140162, MedGen C0027672, MeSH D009386, MONDO:0015356.

gnomAD v4.1: 1 of 1,614,098 alleles (0.000062%); no homozygotes.

Submission:

Color Diagnostics, LLC DBA Color Health
Classification: Uncertain significance for Hereditary cancer-predisposing syndrome. Last evaluated: 2024-03-06. Review status: criteria provided, single submitter. Criteria: ACMG Guidelines, 2015. Collection method: clinical testing. Allele origin: germline.
Comment: This missense variant replaces phenylalanine with leucine at codon 657 of the ATM protein. Computational prediction suggests that this variant may not impact protein structure and function (internally defined REVEL score threshold <= 0.5, PMID: 27666373). Splice site prediction tools suggest that this variant may not impact RNA splicing. To our knowledge, functional studies have not been performed for this variant. This variant has not been reported in individuals affected with hereditary cancer in the literature. This variant has not been identified in the general population by the Genome Aggregation Database (gnomAD). The available evidence is insufficient to determine the role of this variant in disease conclusively. Therefore, this variant is classified as a Variant of Uncertain Significance.

NM_000051.4(ATM):c.1971T>G (p.Phe657Leu)

Gene: ATM (ATM serine/threonine kinase; plus strand). Cytogenetic location: 11q22.3.
Variant type: single nucleotide variant.
Coding change: c.1971T>G on transcript NM_000051.4 (MANE Select); coding-DNA position 1971, T replaced by G.
Protein change: p.Phe657Leu; replaces phenylalanine 657 with leucine.
Molecular consequence: missense variant.
Genome position (GRCh38, 1-based): chr11:108,253,886, T>G. VCF-style: chr11-108253886-T-G. GRCh37 (hg19) VCF-style: chr11-108124613-T-G.
Other names: c.1971T>G, p.Phe657Leu (NM_001351834.2); short protein forms F657L.
Identifiers: ClinVar variation 489520 (VCV000489520.6), dbSNP rs1555073215, ClinGen allele CA382536828.